The following is an entry in ClinVar:

NM_000108.5(DLD):c.104del (p.Tyr35fs)

Gene: DLD (dihydrolipoamide dehydrogenase; plus strand). Cytogenetic location: 7q31.1.
Variant type: Deletion.
Coding change: c.104del on transcript NM_000108.5 (MANE Select); coding-DNA position 104, one base deleted (A; older notation c.104delA).
Protein change: p.Tyr35fs; shifts the reading frame from tyrosine 35.
Molecular consequence: frameshift variant. On other transcripts: 5 prime UTR variant (1).
Genome position (GRCh38, 1-based): chr7:107,893,264, A deleted. VCF-style (leftmost placement, unchanged base first): chr7-107893263-TA-T. GRCh37 (hg19) VCF-style: chr7-107533708-TA-T.
Other names: c.104del, p.Tyr35fs (NM_001289751.1, NM_001289752.1); c.-45del (NM_001289750.1); short protein forms Y35fs.
Identifiers: ClinVar variation 2715363 (VCV002715363.3), dbSNP rs2535561027, ClinGen allele CA2684476688.

ClinVar aggregate classification (germline): Pathogenic (1 of 4 stars; one submission).

Conditions:
Pyruvate dehydrogenase E3 deficiency (DLDD). Also called: MAPLE SYRUP URINE DISEASE, TYPE III; Lipoamide dehydrogenase deficiency, lactic acidosis due to; Lipoamide dehydrogenase deficiency; Dihydrolipoamide Dehydrogenase (E3) Deficiency; DLD DEFICIENCY; E3 DEFICIENCY. Identifiers: Orphanet 2394, Orphanet 765, MedGen C5574660, MONDO:0009529, OMIM 246900.

Allele frequency attached by ClinVar (database versions not stated): gnomAD exomes below 0.00001.

Submission:

Labcorp Genetics (formerly Invitae), Labcorp
Classification: Pathogenic for Pyruvate dehydrogenase E3 deficiency. Last evaluated: 2023-08-14. Review status: criteria provided, single submitter. Criteria: Invitae Variant Classification Sherloc (09022015). Collection method: clinical testing. Allele origin: germline.
Comment: This variant is not present in population databases (gnomAD no frequency). This sequence change creates a premature translational stop signal (p.Tyr35Serfs*10) in the DLD gene. It is expected to result in an absent or disrupted protein product. Loss-of-function variants in DLD are known to be pathogenic (PMID: 8968745, 9934985). This variant has not been reported in the literature in individuals affected with DLD-related conditions. For these reasons, this variant has been classified as Pathogenic.

Literature cited by the submitters: PubMed 8968745; PubMed 9934985.